The following is an entry in ClinVar:

ClinVar aggregate classification (germline): Uncertain significance (1 of 4 stars; one submission).

Submission:

GeneDx
Classification: Uncertain significance. Last evaluated: 2025-02-20. Review status: criteria provided, single submitter. Criteria: GeneDx Variant Classification Process June 2021. Collection method: clinical testing. Allele origin: germline. Affected: yes.
Comment: Not observed at significant frequency in large population cohorts (gnomAD); In silico analysis supports that this missense variant has a deleterious effect on protein structure/function; Has not been previously published as pathogenic or benign to our knowledge

NM_020822.3(KCNT1):c.1294C>T (p.Leu432Phe)

Gene: KCNT1 (potassium sodium-activated channel subfamily T member 1; plus strand). Cytogenetic location: 9q34.3.
Variant type: single nucleotide variant.
Coding change: c.1294C>T on transcript NM_020822.3 (MANE Select); coding-DNA position 1294, C replaced by T.
Protein change: p.Leu432Phe; replaces leucine 432 with phenylalanine.
Molecular consequence: missense variant.
Genome position (GRCh38, 1-based): chr9:135,765,717, C>T. VCF-style: chr9-135765717-C-T. GRCh37 (hg19) VCF-style: chr9-138657563-C-T.
Other names: c.1159C>T, p.Leu387Phe (NM_001272003.2); short protein forms L387F, L432F.
Identifiers: ClinVar variation 4076868 (VCV004076868.1).